The following is an entry in ClinVar:

NM_020937.4(FANCM):c.2046A>G (p.Glu682=)

Gene: FANCM (FA complementation group M; plus strand). Cytogenetic location: 14q21.2.
Variant type: single nucleotide variant.
Coding change: c.2046A>G on transcript NM_020937.4 (MANE Select); coding-DNA position 2046, A replaced by G.
Protein change: p.Glu682=; no amino-acid change (glutamic acid 682 retained).
Molecular consequence: synonymous variant.
Genome position (GRCh38, 1-based): chr14:45,170,632, A>G. VCF-style: chr14-45170632-A-G. GRCh37 (hg19) VCF-style: chr14-45639835-A-G.
Other names: c.1968A>G, p.Glu656= (NM_001308133.2); c.2046A>G (NM_020937.3).
Identifiers: ClinVar variation 1122591 (VCV001122591.15), dbSNP rs201216865, ClinGen allele CA7169228.

ClinVar aggregate classification (germline): Conflicting classifications of pathogenicity. Review status: criteria provided, conflicting classifications (1 of 4 stars). 3 submissions from 3 submitters: Uncertain significance (2); Likely benign (1). Last evaluated 2025-09-12.

Conditions:
Fanconi anemia (FA). Also called: Fanconi's anemia. Identifiers: Orphanet 84, MedGen C0015625, MeSH D005199, MONDO:0019391.

Allele frequency attached by ClinVar (database versions not stated): ESP Exome Variant Server 0.00015; 1000 Genomes Project 30x 0.00016.
gnomAD v4.1: 232 of 1,601,592 alleles (0.014%); highest among the groups gnomAD compares: Non-Finnish European, 0.019%; no homozygotes.

Submissions (3):

Labcorp Genetics (formerly Invitae), Labcorp
Classification: Likely benign for Fanconi anemia. Last evaluated: 2025-09-12. Review status: criteria provided, single submitter. Criteria: Invitae Variant Classification Sherloc (09022015). Collection method: clinical testing. Allele origin: germline.

Quest Diagnostics Nichols Institute San Juan Capistrano
Classification: Uncertain significance. Last evaluated: 2025-03-05. Review status: criteria provided, single submitter. Criteria: Quest Diagnostics criteria. Collection method: clinical testing. Allele origin: unknown.
Comment: The FANCM c.2046A>G (p.Glu682=) synonymous variant has not been reported in individuals with FANCM-related conditions in the published literature. The frequency of this variant in the general population (Genome Aggregation Database) is uninformative in the assessment of its pathogenicity. Analysis of this variant using software algorithms for the prediction of the effect of nucleotide changes on splicing yielded predictions that this variant does not affect FANCM mRNA splicing. Based on the available information, we are unable to determine the clinical significance of this variant.

GeneDx
Classification: Uncertain significance. Last evaluated: 2025-02-04. Review status: criteria provided, single submitter. Criteria: GeneDx Variant Classification Process June 2021. Collection method: clinical testing. Allele origin: germline. Affected: yes.
Comment: Not observed at significant frequency in large population cohorts (gnomAD); Has not been previously published as pathogenic or benign to our knowledge; In silico analysis is inconclusive as to whether the variant alters gene splicing. In the absence of RNA/functional studies, the actual effect of this sequence change is unknown.